The following is an entry in ClinVar:

ClinVar aggregate classification (germline): Uncertain significance (1 of 4 stars; one submission).

Conditions:
Hereditary spastic paraplegia 48. Also called: SPASTIC PARAPLEGIA 48, AUTOSOMAL RECESSIVE; Spastic paraplegia 48. Identifiers: Orphanet 306511, MedGen C3150901, MONDO:0013342, OMIM 613647.

Submission:

Labcorp Genetics (formerly Invitae), Labcorp
Classification: Uncertain significance for Hereditary spastic paraplegia 48. Last evaluated: 2024-07-01. Review status: criteria provided, single submitter. Criteria: Invitae Variant Classification Sherloc (09022015). Collection method: clinical testing. Allele origin: germline.
Comment: This sequence change replaces glutamic acid, which is acidic and polar, with glutamine, which is neutral and polar, at codon 256 of the AP5Z1 protein (p.Glu256Gln). This variant is not present in population databases (gnomAD no frequency). This variant has not been reported in the literature in individuals affected with AP5Z1-related conditions. ClinVar contains an entry for this variant (Variation ID: 2098944). Advanced modeling of protein sequence and biophysical properties (such as structural, functional, and spatial information, amino acid conservation, physicochemical variation, residue mobility, and thermodynamic stability) performed at Invitae indicates that this missense variant is not expected to disrupt AP5Z1 protein function with a negative predictive value of 80%. In summary, the available evidence is currently insufficient to determine the role of this variant in disease. Therefore, it has been classified as a Variant of Uncertain Significance.

NM_014855.3(AP5Z1):c.766G>C (p.Glu256Gln)

Gene: AP5Z1 (adaptor related protein complex 5 subunit zeta 1; plus strand). Cytogenetic location: 7p22.1.
Variant type: single nucleotide variant.
Coding change: c.766G>C on transcript NM_014855.3 (MANE Select); coding-DNA position 766, G replaced by C.
Protein change: p.Glu256Gln; replaces glutamic acid 256 with glutamine.
Molecular consequence: missense variant. On other transcripts: non-coding transcript variant (1).
Genome position (GRCh38, 1-based): chr7:4,784,347, G>C. VCF-style: chr7-4784347-G-C. GRCh37 (hg19) VCF-style: chr7-4823978-G-C.
Other names: c.298G>C, p.Glu100Gln (NM_001364858.1); short protein forms E100Q, E256Q.
Identifiers: ClinVar variation 2098944 (VCV002098944.4), dbSNP rs1254332461, ClinGen allele CA366660477.